The following is an entry in ClinVar:

NM_031443.4(CCM2):c.811C>A (p.Pro271Thr)

Gene: CCM2 (CCM2 scaffold protein; plus strand). Cytogenetic location: 7p13.
Variant type: single nucleotide variant.
Coding change: c.811C>A on transcript NM_031443.4 (MANE Select); coding-DNA position 811, C replaced by A.
Protein change: p.Pro271Thr; replaces proline 271 with threonine.
Molecular consequence: missense variant. On other transcripts: non-coding transcript variant (1).
Genome position (GRCh38, 1-based): chr7:45,073,467, C>A. VCF-style: chr7-45073467-C-A. GRCh37 (hg19) VCF-style: chr7-45113066-C-A.
Other names: c.874C>A, p.Pro292Thr (NM_001029835.2); c.637C>A, p.Pro213Thr (NM_001167934.2); c.538C>A, p.Pro180Thr (NM_001167935.2); c.934C>A, p.Pro312Thr (NM_001363458.2); c.760C>A, p.Pro254Thr (NM_001363459.2); short protein forms P180T, P213T, P254T, P271T, P292T, P312T.
Identifiers: ClinVar variation 2573788 (VCV002573788.1), dbSNP rs755763949, ClinGen allele CA4247159.

ClinVar aggregate classification (germline): Uncertain significance (1 of 4 stars; one submission).

Allele frequency attached by ClinVar (database versions not stated): ExAC 0.00003.
gnomAD v4.1: 31 of 1,613,220 alleles (0.0019%); highest among the groups gnomAD compares: Non-Finnish European, 0.0025%; no homozygotes.

Submission:

GeneDx
Classification: Uncertain significance. Last evaluated: 2023-01-20. Review status: criteria provided, single submitter. Criteria: GeneDx Variant Classification Process June 2021. Collection method: clinical testing. Allele origin: germline. Affected: yes.
Comment: In silico analysis supports that this missense variant does not alter protein structure/function; Has not been previously published as pathogenic or benign to our knowledge